The following is an entry in ClinVar:

ClinVar aggregate classification (germline): Likely benign (1 of 4 stars; one submission).

Allele frequency attached by ClinVar (database versions not stated): TOPMed 0.00068; gnomAD 0.00070; ESP Exome Variant Server 0.00092; gnomAD exomes 0.00100; ExAC 0.00110.
gnomAD v4.1: 1,551 of 1,610,044 alleles (0.096%); highest among the groups gnomAD compares: Non-Finnish European, 0.12%; 1 homozygote.

Submission:

CeGaT Center for Human Genetics Tuebingen
Classification: Likely benign. Last evaluated: 2024-09-01. Review status: criteria provided, single submitter. Criteria: CeGaT Center For Human Genetics Tuebingen Variant Classification Criteria Version 2. Collection method: clinical testing. Allele origin: germline. Affected: yes. Observed: 2 variant alleles.
Comment: GTF2IRD1: BP4, BS1

NM_005685.4(GTF2IRD1):c.2729C>T (p.Pro910Leu)

Gene: GTF2IRD1 (GTF2I repeat domain containing 1; plus strand). Cytogenetic location: 7q11.23.
Variant type: single nucleotide variant.
Coding change: c.2729C>T on transcript NM_005685.4 (MANE Select); coding-DNA position 2729, C replaced by T.
Protein change: p.Pro910Leu; replaces proline 910 with leucine.
Molecular consequence: missense variant.
Genome position (GRCh38, 1-based): chr7:74,601,143, C>T. VCF-style: chr7-74601143-C-T. GRCh37 (hg19) VCF-style: chr7-74015470-C-T.
Other names: c.2825C>T, p.Pro942Leu (NM_001199207.2); c.2729C>T, p.Pro910Leu (NM_001410888.1); c.2774C>T, p.Pro925Leu (NM_016328.3); short protein forms P910L, P925L, P942L.
Identifiers: ClinVar variation 3067212 (VCV003067212.21), dbSNP rs143878229, ClinGen allele CA4297392.
Genomic context (GRCh38, chr7:74,601,143, plus strand): 5'-TCTCGGAAGGAAATTCCGTCTCCTCTTCCTCCTCGTCTTCCTCTTCCTCGTCCTCTAACC[C>T]GGATTCAGTGGCATCGGCCAACCAGATCTCACTCGTGGTAAAGTTGCACCGATTTGGACT-3'
Protein context (NP_005676.3, residues 900-920): SSSSSSSSSN[Pro910Leu]DSVASANQIS